The following is an entry in ClinVar:

ClinVar aggregate classification (germline): Uncertain significance (1 of 4 stars; one submission).

Conditions:
X-linked agammaglobulinemia with growth hormone deficiency (IGHD3). Also called: ISOLATED GROWTH HORMONE DEFICIENCY, TYPE III, WITH AGAMMAGLOBULINEMIA; AGAMMAGLOBULINEMIA AND ISOLATED GROWTH HORMONE DEFICIENCY, X-LINKED; Isolated growth hormone deficiency type 3; Growth hormone deficiency with hypogammaglobulinemia; FLEISHER SYNDROME; HYPOGAMMAGLOBULINEMIA AND ISOLATED GROWTH HORMONE DEFICIENCY, X-LINKED. Identifiers: Orphanet 231692, Orphanet 631, MedGen C0472813, MONDO:0010615, OMIM 307200.

Allele frequency attached by ClinVar (database versions not stated): gnomAD exomes below 0.00001; TOPMed 0.00001.
gnomAD v4.1: 1 of 1,211,178 alleles (0.000083%); highest among the groups gnomAD compares: Non-Finnish European, 0.00011%; no homozygotes.

Submission:

Labcorp Genetics (formerly Invitae), Labcorp
Classification: Uncertain significance for X-linked agammaglobulinemia with growth hormone deficiency. Last evaluated: 2022-09-14. Review status: criteria provided, single submitter. Criteria: Invitae Variant Classification Sherloc (09022015). Collection method: clinical testing. Allele origin: germline.
Comment: This sequence change replaces proline, which is neutral and non-polar, with threonine, which is neutral and polar, at codon 227 of the BTK protein (p.Pro227Thr). This variant is not present in population databases (gnomAD no frequency). This variant has not been reported in the literature in individuals affected with BTK-related conditions. Advanced modeling of protein sequence and biophysical properties (such as structural, functional, and spatial information, amino acid conservation, physicochemical variation, residue mobility, and thermodynamic stability) performed at Invitae indicates that this missense variant is not expected to disrupt BTK protein function. In summary, the available evidence is currently insufficient to determine the role of this variant in disease. Therefore, it has been classified as a Variant of Uncertain Significance.

NM_000061.3(BTK):c.679C>A (p.Pro227Thr)

Gene: BTK (Bruton tyrosine kinase; minus strand). Cytogenetic location: Xq22.1.
Variant type: single nucleotide variant.
Coding change: c.679C>A on transcript NM_000061.3 (MANE Select); coding-DNA position 679, C replaced by A.
Protein change: p.Pro227Thr; replaces proline 227 with threonine.
Molecular consequence: missense variant.
Genome position (GRCh38, 1-based): chrX:101,360,665, G>T on the plus strand (C>A on the coding strand, the complement: BTK is on the minus strand). VCF-style: chrX-101360665-G-T. GRCh37 (hg19) VCF-style: chrX-100615653-G-T.
Other names: c.781C>A, p.Pro261Thr (NM_001287344.2); c.679C>A, p.Pro227Thr (NM_001287345.2); short protein forms P227T, P261T.
Identifiers: ClinVar variation 1949333 (VCV001949333.2), dbSNP rs1181216823, ClinGen allele CA413931912.